The following is an entry in ClinVar:

ClinVar aggregate classification (germline): Uncertain significance (1 of 4 stars; one submission).

Conditions:
Osteogenesis imperfecta type I (OI1). Also called: Lobstein disease; OI, TYPE I; OSTEOGENESIS IMPERFECTA TARDA; OSTEOGENESIS IMPERFECTA WITH BLUE SCLERAE; Osteogenesis imperfecta type 1; Lobstein's Disease. Identifiers: Orphanet 216796, Orphanet 666, MedGen C0023931, MONDO:0008146, OMIM 166200. Disease mechanism: loss of function.
Ehlers-Danlos syndrome, classic type, 1 (EDSCL1). Also called: EDS I; EHLERS-DANLOS SYNDROME, GRAVIS TYPE; EHLERS-DANLOS SYNDROME, SEVERE CLASSIC TYPE; Ehlers-Danlos syndrome, type 1; Ehlers-Danlos Syndrome, Classic Type, COL5A1-Related. Identifiers: MedGen C0268335, MONDO:0019567, OMIM 130000.

Submission:

Labcorp Genetics (formerly Invitae), Labcorp
Classification: Uncertain significance for Osteogenesis imperfecta type I; Ehlers-Danlos syndrome, classic type, 1. Last evaluated: 2025-03-04. Review status: criteria provided, single submitter. Criteria: Invitae Variant Classification Sherloc (09022015). Collection method: clinical testing. Allele origin: germline.
Comment: This sequence change falls in intron 28 of the COL1A2 gene. It does not directly change the encoded amino acid sequence of the COL1A2 protein. Information on the frequency of this variant in the gnomAD database is not available, as this variant may be reported differently in the database. This variant has not been reported in the literature in individuals affected with COL1A2-related conditions. ClinVar contains an entry for this variant (Variation ID: 2924034). Experimental studies and prediction algorithms are not available or were not evaluated, and the effect of this variant on mRNA splicing is currently unknown. In summary, the available evidence is currently insufficient to determine the role of this variant in disease. Therefore, it has been classified as a Variant of Uncertain Significance.

NM_000089.4(COL1A2):c.1665+14_1665+15delinsCG

Gene: COL1A2 (collagen type I alpha 2 chain; plus strand). Cytogenetic location: 7q21.3.
Variant type: Indel.
Coding change: c.1665+14_1665+15delinsCG on transcript NM_000089.4 (MANE Select); bases 14 to 15 of the intron after coding-DNA position 1665, AA replaced by CG.
Molecular consequence: intron variant.
Genome position (GRCh38, 1-based): chr7:94,413,961-94,413,962, AA replaced by CG. VCF-style: chr7-94413961-AA-CG. GRCh37 (hg19) VCF-style: chr7-94043273-AA-CG.
Identifiers: ClinVar variation 2924034 (VCV002924034.3), dbSNP rs2484716125, ClinGen allele CA2740097401.